The following is an entry in ClinVar:

ClinVar aggregate classification (germline): Uncertain significance. Review status: criteria provided, multiple submitters, no conflicts (2 of 4 stars). 2 submissions from 2 submitters: Uncertain significance (2). Last evaluated 2025-11-17.

Conditions:
Cardiomyopathy (CMYO). Also called: Cardiomyopathies. Identifiers: Orphanet 167848, MedGen C0878544, MONDO:0004994, HP:0001638. Inheritance: Various modes of inheritance.
Cardiovascular phenotype. Identifiers: MedGen CN230736.

gnomAD v4.1: 8 of 1,612,668 alleles (0.0005%); highest among the groups gnomAD compares: South Asian, 0.0088%; no homozygotes.

Submissions (2):

Color Diagnostics, LLC DBA Color Health
Classification: Uncertain significance for Cardiomyopathy. Last evaluated: 2025-11-17. Review status: criteria provided, single submitter. Criteria: ACMG Guidelines, 2015. Collection method: clinical testing. Allele origin: germline.
Comment: This missense variant replaces glycine with alanine at codon 193 of the DSP protein. Computational prediction suggests that this variant may not impact protein structure and function. To our knowledge, functional studies have not been reported for this variant. This variant has not been reported in individuals affected with DSP-related disorders in the literature. This variant has been identified in 8/1612668 chromosomes in the general population by the Genome Aggregation Database (gnomAD). The available evidence is insufficient to determine the role of this variant in disease conclusively. Therefore, this variant is classified as a Variant of Uncertain Significance.

Ambry Genetics
Classification: Uncertain significance for Cardiovascular phenotype. Last evaluated: 2024-12-24. Review status: criteria provided, single submitter. Criteria: Ambry Variant Classification Scheme 2023. Collection method: clinical testing. Allele origin: germline.

NM_004415.4(DSP):c.578G>C (p.Gly193Ala)

Gene: DSP (desmoplakin; plus strand). Cytogenetic location: 6p24.3.
Variant type: single nucleotide variant.
Coding change: c.578G>C on transcript NM_004415.4 (MANE Select); coding-DNA position 578, G replaced by C.
Protein change: p.Gly193Ala; replaces glycine 193 with alanine.
Molecular consequence: missense variant.
Genome position (GRCh38, 1-based): chr6:7,559,381, G>C. VCF-style: chr6-7559381-G-C. GRCh37 (hg19) VCF-style: chr6-7559614-G-C.
Other names: c.578G>C, p.Gly193Ala (NM_001008844.3, NM_001319034.2, NM_001406591.1); short protein forms G193A.
Identifiers: ClinVar variation 3842710 (VCV003842710.2).